The following is an entry in ClinVar:

NM_001367823.1(ARHGEF18):c.3830T>C (p.Met1277Thr)

Gene: ARHGEF18 (Rho/Rac guanine nucleotide exchange factor 18; plus strand). Cytogenetic location: 19p13.2.
Variant type: single nucleotide variant.
Coding change: c.3830T>C on transcript NM_001367823.1 (MANE Select); coding-DNA position 3830, T replaced by C.
Protein change: p.Met1277Thr; replaces methionine 1277 with threonine.
Molecular consequence: missense variant.
Genome position (GRCh38, 1-based): chr19:7,469,946, T>C. VCF-style: chr19-7469946-T-C. GRCh37 (hg19) VCF-style: chr19-7534832-T-C.
Other names: c.3104T>C, p.Met1035Thr (NM_001130955.2); c.2792T>C, p.Met931Thr (NM_001367824.1, NM_015318.4); short protein forms M1277T, M1035T, M931T.
Identifiers: ClinVar variation 1997076 (VCV001997076.4), dbSNP rs1600560769, ClinGen allele CA403095731.

ClinVar aggregate classification (germline): Uncertain significance (1 of 4 stars; one submission).

Allele frequency attached by ClinVar (database versions not stated): gnomAD exomes below 0.00001.

Submission:

Labcorp Genetics (formerly Invitae), Labcorp
Classification: Uncertain significance. Last evaluated: 2022-05-20. Review status: criteria provided, single submitter. Criteria: Invitae Variant Classification Sherloc (09022015). Collection method: clinical testing. Allele origin: germline.
Comment: This sequence change replaces methionine, which is neutral and non-polar, with threonine, which is neutral and polar, at codon 1089 of the ARHGEF18 protein (p.Met1089Thr). This variant is not present in population databases (gnomAD no frequency). This variant has not been reported in the literature in individuals affected with ARHGEF18-related conditions. Algorithms developed to predict the effect of missense changes on protein structure and function output the following: SIFT: "Deleterious"; PolyPhen-2: "Benign"; Align-GVGD: "Class C25". The threonine amino acid residue is found in multiple mammalian species, which suggests that this missense change does not adversely affect protein function. In summary, the available evidence is currently insufficient to determine the role of this variant in disease. Therefore, it has been classified as a Variant of Uncertain Significance.